The following is an entry in ClinVar:

ClinVar aggregate classification (germline): Uncertain significance (1 of 4 stars; one submission).

Allele frequency attached by ClinVar (database versions not stated): gnomAD exomes below 0.00001; gnomAD 0.00002.
gnomAD v4.1: 9 of 1,614,088 alleles (0.00056%); highest among the groups gnomAD compares: African/African-American, 0.0013%; no homozygotes.

Submission:

Labcorp Genetics (formerly Invitae), Labcorp
Classification: Uncertain significance. Last evaluated: 2025-01-18. Review status: criteria provided, single submitter. Criteria: Invitae Variant Classification Sherloc (09022015). Collection method: clinical testing. Allele origin: germline.
Comment: This sequence change replaces serine, which is neutral and polar, with threonine, which is neutral and polar, at codon 1404 of the DUOX2 protein (p.Ser1404Thr). This variant is present in population databases (no rsID available, gnomAD 0.007%). This variant has not been reported in the literature in individuals affected with DUOX2-related conditions. ClinVar contains an entry for this variant (Variation ID: 2201671). Invitae Evidence Modeling of protein sequence and biophysical properties (such as structural, functional, and spatial information, amino acid conservation, physicochemical variation, residue mobility, and thermodynamic stability) indicates that this missense variant is not expected to disrupt DUOX2 protein function with a negative predictive value of 80%. In summary, the available evidence is currently insufficient to determine the role of this variant in disease. Therefore, it has been classified as a Variant of Uncertain Significance.

NM_001363711.2(DUOX2):c.4210T>A (p.Ser1404Thr)

Gene: DUOX2 (dual oxidase 2; minus strand). Cytogenetic location: 15q21.1.
Variant type: single nucleotide variant.
Coding change: c.4210T>A on transcript NM_001363711.2 (MANE Select); coding-DNA position 4210, T replaced by A.
Protein change: p.Ser1404Thr; replaces serine 1404 with threonine.
Molecular consequence: missense variant.
Genome position (GRCh38, 1-based): chr15:45,095,466, A>T on the plus strand (T>A on the coding strand, the complement: DUOX2 is on the minus strand). VCF-style: chr15-45095466-A-T. GRCh37 (hg19) VCF-style: chr15-45387664-A-T.
Other names: c.4210T>A, p.Ser1404Thr (NM_014080.5); short protein forms S1404T.
Identifiers: ClinVar variation 2201671 (VCV002201671.3), dbSNP rs1357961813, ClinGen allele CA392251208.